The following is an entry in ClinVar:

NM_020779.4(WDR35):c.1901C>A (p.Ser634Tyr)

Gene: WDR35 (WD repeat domain 35; minus strand). Cytogenetic location: 2p24.1.
Variant type: single nucleotide variant.
Coding change: c.1901C>A on transcript NM_020779.4 (MANE Select); coding-DNA position 1901, C replaced by A.
Protein change: p.Ser634Tyr; replaces serine 634 with tyrosine.
Molecular consequence: missense variant.
Genome position (GRCh38, 1-based): chr2:19,941,784, G>T on the plus strand (C>A on the coding strand, the complement: WDR35 is on the minus strand). VCF-style: chr2-19941784-G-T. GRCh37 (hg19) VCF-style: chr2-20141545-G-T.
Other names: c.1934C>A, p.Ser645Tyr (NM_001006657.2); short protein forms S634Y, S645Y.
Identifiers: ClinVar variation 2037140 (VCV002037140.5), dbSNP rs560603380, ClinGen allele CA1543091.

ClinVar aggregate classification (germline): Uncertain significance. Review status: criteria provided, multiple submitters, no conflicts (2 of 4 stars). 3 submissions from 3 submitters: Uncertain significance (3). Last evaluated 2024-05-16.

Conditions:
Cranioectodermal dysplasia 2 (CED2). Identifiers: Orphanet 1515, MedGen C3150874, MONDO:0013323, OMIM 613610.
Short-rib thoracic dysplasia 7 with or without polydactyly (SRTD7). Also called: Short rib polydactyly syndrome 5; SHORT-RIB THORACIC DYSPLASIA 7 WITH POLYDACTYLY. Identifiers: Orphanet 498497, Orphanet 93271, MedGen C3279792, MONDO:0013569, OMIM 614091.

Allele frequency attached by ClinVar (database versions not stated): gnomAD exomes 0.00003; gnomAD 0.00007; TOPMed 0.00018; 1000 Genomes Project 0.00020; ExAC 0.00026; 1000 Genomes Project 30x 0.00031.
gnomAD v4.1: 49 of 1,569,414 alleles (0.0031%); highest among the groups gnomAD compares: Admixed American, 0.071%; no homozygotes.

Submissions (3):

Fulgent Genetics
Classification: Uncertain significance for Cranioectodermal dysplasia 2; Short-rib thoracic dysplasia 7 with or without polydactyly. Last evaluated: 2024-05-16. Review status: criteria provided, single submitter. Criteria: ACMG Guidelines, 2015. Collection method: clinical testing. Allele origin: germline.

Labcorp Genetics (formerly Invitae), Labcorp
Classification: Uncertain significance for Cranioectodermal dysplasia 2; Short-rib thoracic dysplasia 7 with or without polydactyly. Last evaluated: 2022-07-21. Review status: criteria provided, single submitter. Criteria: Invitae Variant Classification Sherloc (09022015). Collection method: clinical testing. Allele origin: germline.
Comment: This sequence change replaces serine, which is neutral and polar, with tyrosine, which is neutral and polar, at codon 645 of the WDR35 protein (p.Ser645Tyr). This variant is present in population databases (rs560603380, gnomAD 0.07%). This variant has not been reported in the literature in individuals affected with WDR35-related conditions. Algorithms developed to predict the effect of missense changes on protein structure and function are either unavailable or do not agree on the potential impact of this missense change (SIFT: "Deleterious"; PolyPhen-2: "Probably Damaging"; Align-GVGD: "Class C15"). Algorithms developed to predict the effect of sequence changes on RNA splicing suggest that this variant may disrupt the consensus splice site. In summary, the available evidence is currently insufficient to determine the role of this variant in disease. Therefore, it has been classified as a Variant of Uncertain Significance.

Revvity Omics, Revvity
Classification: Uncertain significance. Last evaluated: 2021-08-04. Review status: criteria provided, single submitter. Criteria: ACMG Guidelines, 2015. Collection method: clinical testing. Allele origin: germline.